The following is an entry in ClinVar:

NM_000038.6(APC):c.7012C>T (p.Pro2338Ser)

Gene: APC (APC regulator of Wnt signaling pathway; plus strand). Cytogenetic location: 5q22.2.
Variant type: single nucleotide variant.
Coding change: c.7012C>T on transcript NM_000038.6 (MANE Select); coding-DNA position 7012, C replaced by T.
Protein change: p.Pro2338Ser; replaces proline 2338 with serine.
Molecular consequence: missense variant.
Genome position (GRCh38, 1-based): chr5:112,842,606, C>T. VCF-style: chr5-112842606-C-T. GRCh37 (hg19) VCF-style: chr5-112178303-C-T.
Other names: c.7012C>T, p.Pro2338Ser (NM_001127510.3, NM_001354895.2); c.6958C>T, p.Pro2320Ser (NM_001127511.3); c.7066C>T, p.Pro2356Ser (NM_001354896.2); c.7042C>T, p.Pro2348Ser (NM_001354897.2); c.6937C>T, p.Pro2313Ser (NM_001354898.2); c.6928C>T, p.Pro2310Ser (NM_001354899.2); c.6889C>T, p.Pro2297Ser (NM_001354900.2); c.6835C>T, p.Pro2279Ser (NM_001354901.2); and 5 more; short protein forms P2279S, P2338S, P2348S, P2356S, P2212S, P2237S, P2247S, P2297S.
Identifiers: ClinVar variation 826775 (VCV000826775.16), dbSNP rs571304880, ClinGen allele CA046630.

ClinVar aggregate classification (germline): Uncertain significance. Review status: criteria provided, multiple submitters, no conflicts (2 of 4 stars). 3 submissions from 3 submitters: Uncertain significance (3). Last evaluated 2025-08-02.

Conditions:
Hereditary cancer-predisposing syndrome. Also called: Neoplastic Syndromes, Hereditary; Tumor predisposition; Hereditary neoplastic syndrome; Hereditary Cancer Syndrome. Identifiers: Orphanet 140162, MedGen C0027672, MeSH D009386, MONDO:0015356.
Familial adenomatous polyposis 1 (FAP1). Also called: POLYPOSIS, ADENOMATOUS INTESTINAL; FAMILIAL ADENOMATOUS POLYPOSIS 1, ATTENUATED. Identifiers: MedGen C2713442, MONDO:0021056, OMIM 175100. Disease mechanism: loss of function.

Allele frequency attached by ClinVar (database versions not stated): gnomAD exomes below 0.00001; ExAC 0.00001; gnomAD 0.00001; 1000 Genomes Project 0.00020; 1000 Genomes Project 30x 0.00031.
gnomAD v4.1: 3 of 1,613,736 alleles (0.00019%); highest among the groups gnomAD compares: African/African-American, 0.0013%; no homozygotes.

Submissions (3):

Labcorp Genetics (formerly Invitae), Labcorp
Classification: Uncertain significance for Familial adenomatous polyposis 1. Last evaluated: 2025-08-02. Review status: criteria provided, single submitter. Criteria: Invitae Variant Classification Sherloc (09022015). Collection method: clinical testing. Allele origin: germline.
Comment: This sequence change replaces proline, which is neutral and non-polar, with serine, which is neutral and polar, at codon 2338 of the APC protein (p.Pro2338Ser). This variant is present in population databases (rs571304880, gnomAD 0.0009%). This variant has not been reported in the literature in individuals affected with APC-related conditions. ClinVar contains an entry for this variant (Variation ID: 826775). Invitae Evidence Modeling of protein sequence and biophysical properties (such as structural, functional, and spatial information, amino acid conservation, physicochemical variation, residue mobility, and thermodynamic stability) indicates that this missense variant is not expected to disrupt APC protein function with a negative predictive value of 95%. In summary, the available evidence is currently insufficient to determine the role of this variant in disease. Therefore, it has been classified as a Variant of Uncertain Significance.

Ambry Genetics
Classification: Uncertain significance for Hereditary cancer-predisposing syndrome. Last evaluated: 2024-06-03. Review status: criteria provided, single submitter. Criteria: Ambry Variant Classification Scheme 2023. Collection method: clinical testing. Allele origin: germline.
Comment: The p.P2338S variant (also known as c.7012C>T), located in coding exon 15 of the APC gene, results from a C to T substitution at nucleotide position 7012. The proline at codon 2338 is replaced by serine, an amino acid with similar properties. This amino acid position is highly conserved in available vertebrate species. In addition, in silico predictors for this gene do not accurately predict pathogenicity. Since supporting evidence is limited at this time, the clinical significance of this alteration remains unclear.

Women's Health and Genetics/Laboratory Corporation of America, LabCorp
Classification: Uncertain significance. Last evaluated: 2023-09-16. Review status: criteria provided, single submitter. Criteria: LabCorp Variant Classification Summary - May 2015. Collection method: clinical testing. Allele origin: germline.